The following is an entry in ClinVar:

NM_002474.3(MYH11):c.2411+216C>T

Gene: MYH11 (myosin heavy chain 11; minus strand). Cytogenetic location: 16p13.11.
Variant type: single nucleotide variant.
Coding change: c.2411+216C>T on transcript NM_002474.3 (MANE Select); 216 bases into the intron after coding-DNA position 2411, C replaced by T.
Molecular consequence: intron variant.
Genome position (GRCh38, 1-based): chr16:15,747,354, G>A on the plus strand (C>T on the coding strand, the complement: MYH11 is on the minus strand). VCF-style: chr16-15747354-G-A. GRCh37 (hg19) VCF-style: chr16-15841211-G-A.
Other names: c.2411+216C>T (NM_022844.3); c.2432+216C>T (NM_001040114.2, NM_001040113.2).
Identifiers: ClinVar variation 674513 (VCV000674513.1), dbSNP rs34363587, ClinGen allele CA14262653.

ClinVar aggregate classification (germline): Benign (1 of 4 stars; one submission).

Allele frequency attached by ClinVar (database versions not stated): gnomAD 0.07257 and 0.07280; TOPMed 0.07629; 1000 Genomes Project 0.09625; 1000 Genomes Project 30x 0.09900.
gnomAD v4.1: 11,094 of 152,122 alleles (7.3%); highest among the groups gnomAD compares: African/African-American, 15%; 606 homozygotes.

Submission:

GeneDx
Classification: Benign. Last evaluated: 2018-06-14. Review status: criteria provided, single submitter. Criteria: GeneDx Variant Classification (06012015). Collection method: clinical testing. Allele origin: germline. Affected: yes.
Comment: This variant is considered likely benign or benign based on one or more of the following criteria: it is a conservative change, it occurs at a poorly conserved position in the protein, it is predicted to be benign by multiple in silico algorithms, and/or has population frequency not consistent with disease.